The following is an entry in ClinVar:

NM_012414.4(RAB3GAP2):c.3925G>A (p.Gly1309Arg)

Gene: RAB3GAP2 (RAB3 GTPase activating non-catalytic protein subunit 2; minus strand). Cytogenetic location: 1q41.
Variant type: single nucleotide variant.
Coding change: c.3925G>A on transcript NM_012414.4 (MANE Select); coding-DNA position 3925, G replaced by A.
Protein change: p.Gly1309Arg; replaces glycine 1309 with arginine.
Molecular consequence: missense variant.
Genome position (GRCh38, 1-based): chr1:220,151,707, C>T on the plus strand (G>A on the coding strand, the complement: RAB3GAP2 is on the minus strand). VCF-style: chr1-220151707-C-T. GRCh37 (hg19) VCF-style: chr1-220325049-C-T.
Other names: c.3925G>A (NM_012414.3); short protein forms G1309R.
Identifiers: ClinVar variation 2140306 (VCV002140306.5), dbSNP rs770067001, ClinGen allele CA344624857.

ClinVar aggregate classification (germline): Uncertain significance. Review status: criteria provided, multiple submitters, no conflicts (2 of 4 stars). 2 submissions from 2 submitters: Uncertain significance (2). Last evaluated 2025-03-04.

Conditions:
Inborn genetic diseases. Identifiers: MedGen C0950123, MeSH D030342.
Warburg micro syndrome 2 (WARBM2). Also called: MICRO SYNDROME 2. Identifiers: Orphanet 2510, MedGen C3280214, MONDO:0013641, OMIM 614225.
Martsolf syndrome (MARTS). Also called: Congenital cataract with intellectual disability and hypogonadotropic hypogonadism syndrome. Identifiers: Orphanet 1387, MedGen C0796037, MONDO:0023910.

Allele frequency attached by ClinVar (database versions not stated): TOPMed 0.00001.
gnomAD v4.1: 3 of 1,611,876 alleles (0.00019%); no homozygotes.

Submissions (2):

Ambry Genetics
Classification: Uncertain significance for Inborn genetic diseases. Last evaluated: 2025-03-04. Review status: criteria provided, single submitter. Criteria: Ambry Variant Classification Scheme 2023. Collection method: clinical testing. Allele origin: germline.

Labcorp Genetics (formerly Invitae), Labcorp
Classification: Uncertain significance for Martsolf syndrome; Warburg micro syndrome 2. Last evaluated: 2023-12-06. Review status: criteria provided, single submitter. Criteria: Invitae Variant Classification Sherloc (09022015). Collection method: clinical testing. Allele origin: germline.
Comment: This sequence change replaces glycine, which is neutral and non-polar, with arginine, which is basic and polar, at codon 1309 of the RAB3GAP2 protein (p.Gly1309Arg). This variant is not present in population databases (gnomAD no frequency). This variant has not been reported in the literature in individuals affected with RAB3GAP2-related conditions. ClinVar contains an entry for this variant (Variation ID: 2140306). Advanced modeling of protein sequence and biophysical properties (such as structural, functional, and spatial information, amino acid conservation, physicochemical variation, residue mobility, and thermodynamic stability) has been performed at Invitae for this missense variant, however the output from this modeling did not meet the statistical confidence thresholds required to predict the impact of this variant on RAB3GAP2 protein function. In summary, the available evidence is currently insufficient to determine the role of this variant in disease. Therefore, it has been classified as a Variant of Uncertain Significance.